The following is an entry in ClinVar:

ClinVar aggregate classification (germline): Uncertain significance (1 of 4 stars; one submission).

Conditions:
MHC class II deficiency. Also called: Bare lymphocyte syndrome 2; BLS, TYPE II. Identifiers: Orphanet 572, MedGen C5447452, MONDO:0008855.

Allele frequency attached by ClinVar (database versions not stated): gnomAD 0.00001; TOPMed 0.00001; ExAC 0.00003.

Submission:

Labcorp Genetics (formerly Invitae), Labcorp
Classification: Uncertain significance for MHC class II deficiency. Last evaluated: 2022-01-15. Review status: criteria provided, single submitter. Criteria: Invitae Variant Classification Sherloc (09022015). Collection method: clinical testing. Allele origin: germline.
Comment: This sequence change replaces alanine, which is neutral and non-polar, with threonine, which is neutral and polar, at codon 354 of the CIITA protein (p.Ala354Thr). This variant is present in population databases (rs777405510, gnomAD 0.006%). This variant has not been reported in the literature in individuals affected with CIITA-related conditions. Algorithms developed to predict the effect of missense changes on protein structure and function output the following: SIFT: "Tolerated"; PolyPhen-2: "Benign"; Align-GVGD: "Class C0". The threonine amino acid residue is found in multiple mammalian species, which suggests that this missense change does not adversely affect protein function. In summary, the available evidence is currently insufficient to determine the role of this variant in disease. Therefore, it has been classified as a Variant of Uncertain Significance.

NM_000246.4(CIITA):c.1060G>A (p.Ala354Thr)

Gene: CIITA (class II major histocompatibility complex transactivator; plus strand). Cytogenetic location: 16p13.13.
Variant type: single nucleotide variant.
Coding change: c.1060G>A on transcript NM_000246.4 (MANE Select); coding-DNA position 1060, G replaced by A.
Protein change: p.Ala354Thr; replaces alanine 354 with threonine.
Molecular consequence: missense variant. On other transcripts: intron variant (1).
Genome position (GRCh38, 1-based): chr16:10,906,552, G>A. VCF-style: chr16-10906552-G-A. GRCh37 (hg19) VCF-style: chr16-11000409-G-A.
Other names: c.1063G>A, p.Ala355Thr (NM_001286402.1, NM_001379332.1); c.916G>A, p.Ala306Thr (NM_001379330.1); c.913G>A, p.Ala305Thr (NM_001379331.1); c.1060G>A, p.Ala354Thr (NM_001379333.1); c.991G>A, p.Ala331Thr (NM_001379334.1); c.859+1740G>A (NM_001286403.2); short protein forms A305T, A306T, A331T, A354T, A355T.
Identifiers: ClinVar variation 2428446 (VCV002428446.3), dbSNP rs777405510, ClinGen allele CA7900047.